The following is an entry in ClinVar:

NM_006440.5(TXNRD2):c.221C>G (p.Ser74Cys)

Gene: TXNRD2 (thioredoxin reductase 2; minus strand). Cytogenetic location: 22q11.21.
Variant type: single nucleotide variant.
Coding change: c.221C>G on transcript NM_006440.5 (MANE Select); coding-DNA position 221, C replaced by G.
Protein change: p.Ser74Cys; replaces serine 74 with cysteine.
Molecular consequence: missense variant. On other transcripts: 5 prime UTR variant (1).
Genome position (GRCh38, 1-based): chr22:19,919,551, G>C on the plus strand (C>G on the coding strand, the complement: TXNRD2 is on the minus strand). VCF-style: chr22-19919551-G-C. GRCh37 (hg19) VCF-style: chr22-19907074-G-C.
Other names: c.221C>G, p.Ser74Cys (NM_001282512.3); c.218C>G, p.Ser73Cys (NM_001352300.2); c.131C>G, p.Ser44Cys (NM_001352301.2); c.-68C>G (NM_001352302.2); c.125C>G, p.Ser42Cys (NM_001352303.2); short protein forms S74C, S42C, S44C, S73C.
Identifiers: ClinVar variation 454284 (VCV000454284.20), dbSNP rs200942544, ClinGen allele CA10104298.

ClinVar aggregate classification (germline): Uncertain significance. Review status: criteria provided, multiple submitters, no conflicts (2 of 4 stars). 3 submissions from 3 submitters: Uncertain significance (3). Last evaluated 2025-10-26.

Conditions:
Cardiovascular phenotype. Identifiers: MedGen CN230736.
Primary dilated cardiomyopathy (DCM). Also called: Dilated Cardiomyopathy. Identifiers: Orphanet 217604, MedGen C0007193, MeSH D002311, MONDO:0005021, HP:0001644. Inheritance: Various modes of inheritance.

Allele frequency attached by ClinVar (database versions not stated): gnomAD exomes 0.00014 and 0.00024; TOPMed 0.00015; ESP Exome Variant Server 0.00016; gnomAD 0.00017 and 0.00019; ExAC 0.00022.
gnomAD v4.1: 359 of 1,561,368 alleles (0.023%); highest among the groups gnomAD compares: Non-Finnish European, 0.029%; no homozygotes.

Submissions (3):

Labcorp Genetics (formerly Invitae), Labcorp
Classification: Uncertain significance for Primary dilated cardiomyopathy. Last evaluated: 2025-10-26. Review status: criteria provided, single submitter. Criteria: Invitae Variant Classification Sherloc (09022015). Collection method: clinical testing. Allele origin: germline.
Comment: This sequence change replaces serine, which is neutral and polar, with cysteine, which is neutral and slightly polar, at codon 74 of the TXNRD2 protein (p.Ser74Cys). This variant is present in population databases (rs200942544, gnomAD 0.02%). This variant has not been reported in the literature in individuals affected with TXNRD2-related conditions. ClinVar contains an entry for this variant (Variation ID: 454284). An algorithm developed to predict the effect of missense changes on protein structure and function (PolyPhen-2) suggests that this variant is likely to be disruptive. In summary, the available evidence is currently insufficient to determine the role of this variant in disease. Therefore, it has been classified as a Variant of Uncertain Significance.

Ambry Genetics
Classification: Uncertain significance for Cardiovascular phenotype. Last evaluated: 2025-06-07. Review status: criteria provided, single submitter. Criteria: Ambry Variant Classification Scheme 2023. Collection method: clinical testing. Allele origin: germline.
Comment: The p.S74C variant (also known as c.221C>G), located in coding exon 3 of the TXNRD2 gene, results from a C to G substitution at nucleotide position 221. The serine at codon 74 is replaced by cysteine, an amino acid with dissimilar properties. This amino acid position is well conserved in available vertebrate species. In addition, the in silico prediction for this alteration is inconclusive. The evidence for this gene-disease relationship is limited; therefore, the clinical significance of this alteration is unclear.

GeneDx
Classification: Uncertain significance. Last evaluated: 2024-04-30. Review status: criteria provided, single submitter. Criteria: GeneDx Variant Classification Process June 2021. Collection method: clinical testing. Allele origin: germline. Affected: yes.
Comment: In silico analysis supports that this missense variant has a deleterious effect on protein structure/function; Has not been previously published as pathogenic or benign to our knowledge